The following is an entry in ClinVar:

ClinVar aggregate classification (germline): Likely benign (1 of 4 stars; one submission).

Allele frequency attached by ClinVar (database versions not stated): ExAC 0.00015; TOPMed 0.00021; gnomAD 0.00022; gnomAD exomes 0.00036; 1000 Genomes Project 30x 0.00042.
gnomAD v4.1: 413 of 1,210,770 alleles (0.034%); highest among the groups gnomAD compares: Non-Finnish European, 0.043%; no homozygotes.

Submission:

CeGaT Center for Human Genetics Tuebingen
Classification: Likely benign. Last evaluated: 2022-12-01. Review status: criteria provided, single submitter. Criteria: CeGaT Center For Human Genetics Tuebingen Variant Classification Criteria Version 2. Collection method: clinical testing. Allele origin: germline. Affected: yes. Observed: 1 variant allele.
Comment: CCNB3: BP4, BP7, BS2

NM_033031.3(CCNB3):c.2145G>A (p.Glu715=)

Gene: CCNB3 (cyclin B3; plus strand). Cytogenetic location: Xp11.22.
Variant type: single nucleotide variant.
Coding change: c.2145G>A on transcript NM_033031.3 (MANE Select); coding-DNA position 2145, G replaced by A.
Protein change: p.Glu715=; no amino-acid change (glutamic acid 715 retained).
Molecular consequence: synonymous variant. On other transcripts: intron variant (1).
Genome position (GRCh38, 1-based): chrX:50,310,314, G>A. VCF-style: chrX-50310314-G-A. GRCh37 (hg19) VCF-style: chrX-50053314-G-A.
Other names: c.204+21427G>A (NM_033670.4).
Identifiers: ClinVar variation 2660544 (VCV002660544.24), dbSNP rs782275909, ClinGen allele CA10414669.